The following is an entry in ClinVar:

ClinVar aggregate classification (germline): Conflicting classifications of pathogenicity. Review status: criteria provided, conflicting classifications (1 of 4 stars). 3 submissions from 3 submitters: Uncertain significance (2); Likely benign (1). Last evaluated 2025-01-20.

Conditions:
Familial thoracic aortic aneurysm and aortic dissection (TAAD). Also called: Thoracic aortic aneurysms and dissections. Identifiers: Orphanet 91387, MedGen C4707243, MONDO:0019625.
Shprintzen-Goldberg syndrome (SGS). Also called: SHPRINTZEN-GOLDBERG CRANIOSYNOSTOSIS SYNDROME; CRANIOSYNOSTOSIS WITH ARACHNODACTYLY AND ABDOMINAL HERNIAS; Marfanoid disorder with craniosynostosis type 1; Marfanoid craniosynostosis syndrome; Shprintzen-Goldberg marfanoid syndrome. Identifiers: Orphanet 2462, MedGen C1321551, MONDO:0008426, OMIM 182212.

Allele frequency attached by ClinVar (database versions not stated): gnomAD exomes 0.00008 and 0.00001; TOPMed 0.00001.
gnomAD v4.1: 8 of 1,384,052 alleles (0.00058%); highest among the groups gnomAD compares: Middle Eastern, 0.025%; no homozygotes.

Submissions (3):

Labcorp Genetics (formerly Invitae), Labcorp
Classification: Likely benign for Shprintzen-Goldberg syndrome. Last evaluated: 2025-01-20. Review status: criteria provided, single submitter. Criteria: Invitae Variant Classification Sherloc (09022015). Collection method: clinical testing. Allele origin: germline.

Ambry Genetics
Classification: Uncertain significance for Familial thoracic aortic aneurysm and aortic dissection. Last evaluated: 2023-02-26. Review status: criteria provided, single submitter. Criteria: Ambry Variant Classification Scheme 2023. Collection method: clinical testing. Allele origin: germline.
Comment: The p.A57V variant (also known as c.170C>T), located in coding exon 1 of the SKI gene, results from a C to T substitution at nucleotide position 170. The alanine at codon 57 is replaced by valine, an amino acid with similar properties. This amino acid position is conserved. In addition, the in silico prediction for this alteration is inconclusive. Since supporting evidence is limited at this time, the clinical significance of this alteration remains unclear.

GeneDx
Classification: Uncertain significance. Last evaluated: 2019-05-24. Review status: criteria provided, single submitter. Criteria: GeneDx Variant Classification Process June 2021. Collection method: clinical testing. Allele origin: germline. Affected: yes.
Comment: Has not been previously published as pathogenic or benign to our knowledge; In silico analysis, which includes protein predictors and evolutionary conservation, supports that this variant does not alter protein structure/function

NM_003036.4(SKI):c.170C>T (p.Ala57Val)

Gene: SKI (SKI proto-oncogene; plus strand). Cytogenetic location: 1p36.33.
Variant type: single nucleotide variant.
Coding change: c.170C>T on transcript NM_003036.4 (MANE Select); coding-DNA position 170, C replaced by T.
Protein change: p.Ala57Val; replaces alanine 57 with valine.
Molecular consequence: missense variant.
Genome position (GRCh38, 1-based): chr1:2,228,936, C>T. VCF-style: chr1-2228936-C-T. GRCh37 (hg19) VCF-style: chr1-2160375-C-T.
Other names: short protein forms A57V.
Identifiers: ClinVar variation 1306121 (VCV001306121.8), dbSNP rs1389185868, ClinGen allele CA337952243.